The following is an entry in ClinVar:

ClinVar aggregate classification (germline): Uncertain significance (1 of 4 stars; one submission).

Conditions:
RYR1-related disorder. Also called: RYR1-related condition; RYR1-related disorders. Identifiers: MedGen CN239331.

Allele frequency attached by ClinVar (database versions not stated): gnomAD exomes below 0.00001; TOPMed below 0.00001.

Submission:

Labcorp Genetics (formerly Invitae), Labcorp
Classification: Uncertain significance for RYR1-related disorder. Last evaluated: 2025-12-20. Review status: criteria provided, single submitter. Criteria: Invitae Variant Classification Sherloc (09022015). Collection method: clinical testing. Allele origin: germline.
Comment: This sequence change falls in intron 51 of the RYR1 gene. It does not directly change the encoded amino acid sequence of the RYR1 protein. This variant is present in population databases (no rsID available, gnomAD 0.0009%). This variant has not been reported in the literature in individuals affected with RYR1-related conditions. ClinVar contains an entry for this variant (Variation ID: 2173317). Algorithms developed to predict the effect of sequence changes on RNA splicing suggest that this variant may create or strengthen a splice site. In summary, the available evidence is currently insufficient to determine the role of this variant in disease. Therefore, it has been classified as a Variant of Uncertain Significance.

NM_000540.3(RYR1):c.8232-4A>G

Gene: RYR1 (ryanodine receptor 1; plus strand). Cytogenetic location: 19q13.2.
Variant type: single nucleotide variant.
Coding change: c.8232-4A>G on transcript NM_000540.3 (MANE Select); 4 bases into the intron before coding-DNA position 8232, A replaced by G.
Molecular consequence: intron variant.
Genome position (GRCh38, 1-based): chr19:38,504,999, A>G. VCF-style: chr19-38504999-A-G. GRCh37 (hg19) VCF-style: chr19-38995639-A-G.
Other names: c.8232-4A>G (NM_001042723.2).
Identifiers: ClinVar variation 2173317 (VCV002173317.4), dbSNP rs1222187172, ClinGen allele CA633066402.